The following is an entry in ClinVar:

ClinVar aggregate classification (germline): Likely benign (1 of 4 stars; one submission).

Conditions:
TUB-related disorder. Also called: TUB-related condition.

gnomAD v4.1: 1 of 1,535,764 alleles (0.000065%); highest among the groups gnomAD compares: Non-Finnish European, 0.000087%; no homozygotes.

Submission:

PreventionGenetics, part of Exact Sciences
Classification: Likely benign for TUB-related condition. Last evaluated: 2026-03-19. Review status: criteria provided, single submitter. Criteria: ACMG Guidelines, 2015. Collection method: clinical testing. Allele origin: germline.
Comment: This variant is classified as likely benign based on ACMG/AMP sequence variant interpretation guidelines (Richards et al. 2015 PMID: 25741868, with internal and published modifications).

NM_177972.3(TUB):c.-6A>G

Gene: TUB (TUB bipartite transcription factor; plus strand). Cytogenetic location: 11p15.4.
Variant type: single nucleotide variant.
Coding change: c.-6A>G on transcript NM_177972.3 (MANE Select); 6 bases upstream of the start codon, A replaced by G.
Molecular consequence: 5 prime UTR variant. On other transcripts: intron variant (5).
Genome position (GRCh38, 1-based): chr11:8,081,505, A>G. VCF-style: chr11-8081505-A-G. GRCh37 (hg19) VCF-style: chr11-8103052-A-G.
Other names: c.-6A>G (NM_001440541.1); c.57-8105A>G (NM_001440538.1, NM_001440539.1, NM_001440540.1 and 1 more transcripts); c.204-8105A>G (NM_003320.5).
Identifiers: ClinVar variation 4990001 (VCV004990001.1).